The following is an entry in ClinVar:

ClinVar aggregate classification (germline): Uncertain significance. Review status: criteria provided, multiple submitters, no conflicts (2 of 4 stars). 2 submissions from 2 submitters: Uncertain significance (2). Last evaluated 2024-04-19.

Conditions:
Inborn genetic diseases. Identifiers: MedGen C0950123, MeSH D030342.

Allele frequency attached by ClinVar (database versions not stated): TOPMed below 0.00001; ExAC 0.00001; gnomAD 0.00001; gnomAD exomes 0.00001.
gnomAD v4.1: 22 of 1,614,070 alleles (0.0014%); highest among the groups gnomAD compares: Non-Finnish European, 0.0019%; no homozygotes.

Submissions (2):

Ambry Genetics
Classification: Uncertain significance for Inborn genetic diseases. Last evaluated: 2024-04-19. Review status: criteria provided, single submitter. Criteria: Ambry Variant Classification Scheme 2023. Collection method: clinical testing. Allele origin: germline.

Labcorp Genetics (formerly Invitae), Labcorp
Classification: Uncertain significance. Last evaluated: 2022-03-23. Review status: criteria provided, single submitter. Criteria: Invitae Variant Classification Sherloc (09022015). Collection method: clinical testing. Allele origin: germline.
Comment: This variant is present in population databases (rs780342968, gnomAD 0.003%). This sequence change replaces aspartic acid, which is acidic and polar, with asparagine, which is neutral and polar, at codon 1778 of the FLNB protein (p.Asp1778Asn). This variant has not been reported in the literature in individuals affected with FLNB-related conditions. In summary, the available evidence is currently insufficient to determine the role of this variant in disease. Therefore, it has been classified as a Variant of Uncertain Significance. Advanced modeling of protein sequence and biophysical properties (such as structural, functional, and spatial information, amino acid conservation, physicochemical variation, residue mobility, and thermodynamic stability) performed at Invitae indicates that this missense variant is not expected to disrupt FLNB protein function.

NM_001457.4(FLNB):c.5332G>A (p.Asp1778Asn)

Gene: FLNB (filamin B; plus strand). Cytogenetic location: 3p14.3.
Variant type: single nucleotide variant.
Coding change: c.5332G>A on transcript NM_001457.4 (MANE Select); coding-DNA position 5332, G replaced by A.
Protein change: p.Asp1778Asn; replaces aspartic acid 1778 with asparagine.
Molecular consequence: missense variant.
Genome position (GRCh38, 1-based): chr3:58,143,520, G>A. VCF-style: chr3-58143520-G-A. GRCh37 (hg19) VCF-style: chr3-58129247-G-A.
Other names: c.5425G>A, p.Asp1809Asn (NM_001164317.2); c.5299G>A, p.Asp1767Asn (NM_001164318.2); c.5332G>A (NM_001457.3); c.5260G>A, p.Asp1754Asn (NM_001164319.2); short protein forms D1767N, D1754N, D1809N, D1778N.
Identifiers: ClinVar variation 1979443 (VCV001979443.5), dbSNP rs780342968, ClinGen allele CA2469036.
Genomic context (GRCh38, chr3:58,143,520, plus strand): 5'-CTGTGCTCCATAGGAGAGGTCCACATGCCTTCTGGGAAGACAGCCACACCTGAGATTGTG[G>A]ACAACAAGGACGGCACGGTCACTGTTAGATATGCCCCCACTGAGGTCGGGCTCCATGAGA-3'
Protein context (NP_001448.2, residues 1768-1788): SGKTATPEIV[Asp1778Asn]NKDGTVTVRY